The following is an entry in ClinVar:

NM_001843.4(CNTN1):c.2178A>G (p.Thr726=)

Gene: CNTN1 (contactin 1; plus strand). Cytogenetic location: 12q12.
Variant type: single nucleotide variant.
Coding change: c.2178A>G on transcript NM_001843.4 (MANE Select); coding-DNA position 2178, A replaced by G.
Protein change: p.Thr726=; no amino-acid change (threonine 726 retained).
Molecular consequence: synonymous variant.
Genome position (GRCh38, 1-based): chr12:41,014,292, A>G. VCF-style: chr12-41014292-A-G. GRCh37 (hg19) VCF-style: chr12-41408094-A-G.
Other names: c.2145A>G, p.Thr715= (NM_175038.2).
Identifiers: ClinVar variation 513443 (VCV000513443.1), dbSNP rs1291165164, ClinGen allele CA479351063.

ClinVar aggregate classification (germline): Likely benign (1 of 4 stars; one submission).

Allele frequency attached by ClinVar (database versions not stated): TOPMed below 0.00001; gnomAD exomes below 0.00001.
gnomAD v4.1: 3 of 1,613,978 alleles (0.00019%); highest among the groups gnomAD compares: Non-Finnish European, 0.00025%; no homozygotes.

Submission:

GeneDx
Classification: Likely benign. Last evaluated: 2017-11-21. Review status: criteria provided, single submitter. Criteria: GeneDx Variant Classification (06012015). Collection method: clinical testing. Allele origin: germline. Affected: yes.
Comment: This variant is considered likely benign or benign based on one or more of the following criteria: it is a conservative change, it occurs at a poorly conserved position in the protein, it is predicted to be benign by multiple in silico algorithms, and/or has population frequency not consistent with disease.